The following is an entry in ClinVar:

ClinVar aggregate classification (germline): Pathogenic (1 of 4 stars; one submission).

Conditions:
Fanconi anemia (FA). Also called: Fanconi's anemia. Identifiers: Orphanet 84, MedGen C0015625, MeSH D005199, MONDO:0019391.

Submission:

Labcorp Genetics (formerly Invitae), Labcorp
Classification: Pathogenic for Fanconi anemia. Last evaluated: 2023-03-23. Review status: criteria provided, single submitter. Criteria: Invitae Variant Classification Sherloc (09022015). Collection method: clinical testing. Allele origin: unknown.
Comment: For these reasons, this variant has been classified as Pathogenic. This variant has not been reported in the literature in individuals affected with FANCA-related conditions. This variant is a gross deletion of the genomic region encompassing exon(s) 6-26 of the FANCA gene. This deletion is out-of-frame, and is expected to create a premature termination codon and result in an absent or disrupted protein product. Loss-of-function variants in FANCA are known to be pathogenic (PMID: 19367192).

Literature cited by the submitters: PubMed 19367192.

NC_000016.9:g.(?_89836225)_(89874795_?)del

Gene: FANCA (FA complementation group A; minus strand). Cytogenetic location: 16q24.3.
Variant type: Deletion.
Identifiers: ClinVar variation 3243283 (VCV003243283.1).